The following is an entry in ClinVar:

NM_021784.5(FOXA2):c.573dup (p.Tyr192fs)

Gene: FOXA2 (forkhead box A2; minus strand). Cytogenetic location: 20p11.21.
Variant type: Duplication.
Coding change: c.573dup on transcript NM_021784.5 (MANE Select); coding-DNA position 573, one base duplicated (C; older notation c.573dupC).
Protein change: p.Tyr192fs; shifts the reading frame from tyrosine 192.
Molecular consequence: frameshift variant.
Genome position (GRCh38, 1-based): chr20:22,582,669, G duplicated on the plus strand (C on the coding strand, the reverse complement: FOXA2 is on the minus strand). VCF-style (leftmost placement, unchanged base first): chr20-22582668-A-AG. GRCh37 (hg19) VCF-style: chr20-22563306-A-AG.
Other names: c.555dup, p.Tyr186fs (NM_153675.3); short protein forms Y186fs, Y192fs.
Identifiers: ClinVar variation 2754394 (VCV002754394.3), dbSNP rs2514813174, ClinGen allele CA2697547325.
Genomic context (GRCh38, chr20:22,582,668, plus strand): 5'-AGTTCTGCCAGCGCTGCTGGTTCTGCCGGTAGAAGGGGAAGAGGTCCATGATCCACTGGT[A>AG]GATCTCGCTCAGCGTCAGCATCTTGTTGGGGCTCTGCTGGATGGCCATGGTGATGAGCGA-3'

ClinVar aggregate classification (germline): Uncertain significance (1 of 4 stars; one submission).

Submission:

Labcorp Genetics (formerly Invitae), Labcorp
Classification: Uncertain significance. Last evaluated: 2023-09-08. Review status: criteria provided, single submitter. Criteria: Invitae Variant Classification Sherloc (09022015). Collection method: clinical testing. Allele origin: germline.
Comment: This variant has not been reported in the literature in individuals affected with FOXA2-related conditions. In summary, the available evidence is currently insufficient to determine the role of this variant in disease. Therefore, it has been classified as a Variant of Uncertain Significance. Experimental studies and prediction algorithms are not available or were not evaluated, and the functional significance of this variant is currently unknown. This variant is not present in population databases (gnomAD no frequency). This sequence change creates a premature translational stop signal (p.Tyr192Leufs*53) in the FOXA2 gene. While this is not anticipated to result in nonsense mediated decay, it is expected to disrupt the last 272 amino acid(s) of the FOXA2 protein.